The following is an entry in ClinVar:

NM_006231.4(POLE):c.2102A>G (p.Glu701Gly)

Gene: POLE (DNA polymerase epsilon, catalytic subunit; minus strand). Cytogenetic location: 12q24.33.
Variant type: single nucleotide variant.
Coding change: c.2102A>G on transcript NM_006231.4 (MANE Select); coding-DNA position 2102, A replaced by G.
Protein change: p.Glu701Gly; replaces glutamic acid 701 with glycine.
Molecular consequence: missense variant.
Genome position (GRCh38, 1-based): chr12:132,668,427, T>C on the plus strand (A>G on the coding strand, the complement: POLE is on the minus strand). VCF-style: chr12-132668427-T-C. GRCh37 (hg19) VCF-style: chr12-133245013-T-C.
Other names: short protein forms E701G.
Identifiers: ClinVar variation 2620439 (VCV002620439.4), dbSNP rs1220109949, ClinGen allele CA387353963.
Genomic context (GRCh38, chr12:132,668,427, plus strand): 5'-CTCTTCTCGTATTTCGCCTGTTCCTCGCGGGACAGTTCATGAAAGGCCCGAGCTGGCCCC[T>C]CTGGGAACAAGGGGGGGAACTTCTCTGACTCCAGCTGGTGCTGGATCCGATGGTATTCGC-3'
Protein context (NP_006222.2, residues 691-711): ESEKFPPLFP[Glu701Gly]GPARAFHELS

ClinVar aggregate classification (germline): Uncertain significance. Review status: criteria provided, multiple submitters, no conflicts (2 of 4 stars). 2 submissions from 2 submitters: Uncertain significance (2). Last evaluated 2024-07-18.

Conditions:
Hereditary cancer-predisposing syndrome. Also called: Tumor predisposition; Hereditary Cancer Syndrome; Hereditary neoplastic syndrome; Neoplastic Syndromes, Hereditary. Identifiers: Orphanet 140162, MedGen C0027672, MeSH D009386, MONDO:0015356.

Submissions (2):

Labcorp Genetics (formerly Invitae), Labcorp
Classification: Uncertain significance. Last evaluated: 2024-07-18. Review status: criteria provided, single submitter. Criteria: Invitae Variant Classification Sherloc (09022015). Collection method: clinical testing. Allele origin: germline.
Comment: This sequence change replaces glutamic acid, which is acidic and polar, with glycine, which is neutral and non-polar, at codon 701 of the POLE protein (p.Glu701Gly). This variant is not present in population databases (gnomAD no frequency). This variant has not been reported in the literature in individuals affected with POLE-related conditions. ClinVar contains an entry for this variant (Variation ID: 2620439). Advanced modeling of protein sequence and biophysical properties (such as structural, functional, and spatial information, amino acid conservation, physicochemical variation, residue mobility, and thermodynamic stability) performed at Invitae indicates that this missense variant is not expected to disrupt POLE protein function with a negative predictive value of 80%. In summary, the available evidence is currently insufficient to determine the role of this variant in disease. Therefore, it has been classified as a Variant of Uncertain Significance.

Ambry Genetics
Classification: Uncertain significance for Hereditary cancer-predisposing syndrome. Last evaluated: 2023-08-26. Review status: criteria provided, single submitter. Criteria: Ambry Variant Classification Scheme 2023. Collection method: clinical testing. Allele origin: germline.
Comment: The p.E701G variant (also known as c.2102A>G), located in coding exon 19 of the POLE gene, results from an A to G substitution at nucleotide position 2102. The glutamic acid at codon 701 is replaced by glycine, an amino acid with similar properties. This amino acid position is conserved. In addition, this alteration is predicted to be tolerated by in silico analysis. Since supporting evidence is limited at this time, the clinical significance of this alteration remains unclear.